The following is an entry in ClinVar:

NM_002890.3(RASA1):c.1566_1567del (p.Ser523fs)

Genes: CCNH (cyclin H; minus strand), RASA1 (RAS p21 protein activator 1; plus strand). Cytogenetic location: 5q14.3.
Variant type: Deletion.
Coding change: c.1566_1567del on transcript NM_002890.3 (MANE Select); coding-DNA positions 1566 to 1567, 2 bases deleted (CA; older notation c.1566_1567delCA).
Protein change: p.Ser523fs; shifts the reading frame from serine 523.
Molecular consequence: frameshift variant. On other transcripts: intron variant (1).
Genome position (GRCh38, 1-based): chr5:87,363,460-87,363,461, CA deleted. VCF-style (leftmost placement, unchanged base first): chr5-87363459-TCA-T. GRCh37 (hg19) VCF-style: chr5-86659276-TCA-T.
Other names: c.1035_1036del, p.Ser346fs (NM_022650.3); c.933+31583_933+31584del (NM_001364075.2); short protein forms S346fs, S523fs.
Identifiers: ClinVar variation 4720255 (VCV004720255.1).
Genomic context (GRCh38, chr5:87,363,459, plus strand): 5'-CCCAACTTATTTATTTTGAAAGCGAAAAACGAGCTACCAAACCAAAAGGATTAATAGATC[TCA>T]GTGTATGTTCTGTCTATGTCGTTCATGATAGTCTCTTTGGCAGGTAAGAGACTGGTTTCC-3'

ClinVar aggregate classification (germline): Pathogenic (1 of 4 stars; one submission).

Conditions:
Capillary malformation-arteriovenous malformation syndrome. Also called: Capillary malformation-arteriovenous malformation. Identifiers: Orphanet 137667, MedGen C1842180, MONDO:0012016.

Submission:

Labcorp Genetics (formerly Invitae), Labcorp
Classification: Pathogenic for Capillary malformation-arteriovenous malformation syndrome. Last evaluated: 2025-05-26. Review status: criteria provided, single submitter. Criteria: Invitae Variant Classification Sherloc (09022015). Collection method: clinical testing. Allele origin: germline.
Comment: This sequence change creates a premature translational stop signal (p.Ser523Cysfs*9) in the RASA1 gene. It is expected to result in an absent or disrupted protein product. Loss-of-function variants in RASA1 are known to be pathogenic (PMID: 24038909). This variant is not present in population databases (gnomAD no frequency). This variant has not been reported in the literature in individuals affected with RASA1-related conditions. Algorithms developed to predict the effect of sequence changes on RNA splicing suggest that this variant may disrupt the consensus splice site. For these reasons, this variant has been classified as Pathogenic.

Literature cited by the submitters: PubMed 24038909.